The following is an entry in ClinVar:

NM_003721.4(RFXANK):c.481del (p.Leu161fs)

Gene: RFXANK (regulatory factor X associated ankyrin containing protein; plus strand). Cytogenetic location: 19p13.11.
Variant type: Deletion.
Coding change: c.481del on transcript NM_003721.4 (MANE Select); coding-DNA position 481, one base deleted (C; older notation c.481delC).
Protein change: p.Leu161fs; shifts the reading frame from leucine 161.
Molecular consequence: frameshift variant.
Genome position (GRCh38, 1-based): chr19:19,198,149, C deleted; the last of 3 consecutive C bases (chr19:19,198,147-19,198,149); deleting any one gives the same sequence. VCF-style (leftmost placement, unchanged base first): chr19-19198146-GC-G. GRCh37 (hg19) VCF-style: chr19-19308955-GC-G.
Other names: c.415del, p.Leu139fs (NM_001278727.2, NM_001370234.1); c.412del, p.Leu138fs (NM_001278728.2, NM_134440.3); c.481del, p.Leu161fs (NM_001370233.1, NM_001370238.1); c.478del, p.Leu160fs (NM_001370235.1, NM_001370236.1, NM_001370237.1); short protein forms L138fs, L139fs, L160fs, L161fs.
Identifiers: ClinVar variation 1683611 (VCV001683611.7), dbSNP rs2146492780, ClinGen allele CA2573156233.
Genomic context (GRCh38, chr19:19,198,146, plus strand): 5'-TGTCCCTTCTTCTCCCTGCAGGGTGCCGACCCCCACATCCTGGCAAAAGAGCGAGAGAGC[GC>G]CCTGTCGCTGGCCAGCACAGGCGGCTACACAGACATTGTGGGGCTGCTGCTGGAGCGTGA-3'

ClinVar aggregate classification (germline): Pathogenic/Likely pathogenic. Review status: criteria provided, multiple submitters, no conflicts (2 of 4 stars). 2 submissions from 2 submitters: Pathogenic (1); Likely pathogenic (1). Last evaluated 2022-02-25.

Conditions:
MHC class II deficiency. Also called: Bare lymphocyte syndrome 2; BLS, TYPE II. Identifiers: Orphanet 572, MedGen C5447452, MONDO:0008855.

Submissions (2):

Labcorp Genetics (formerly Invitae), Labcorp
Classification: Pathogenic for MHC class II deficiency. Last evaluated: 2022-02-25. Review status: criteria provided, single submitter. Criteria: Invitae Variant Classification Sherloc (09022015). Collection method: clinical testing. Allele origin: germline.
Comment: For these reasons, this variant has been classified as Pathogenic. This variant has not been reported in the literature in individuals affected with RFXANK-related conditions. This variant is not present in population databases (gnomAD no frequency). This sequence change creates a premature translational stop signal (p.Leu161Cysfs*43) in the RFXANK gene. It is expected to result in an absent or disrupted protein product. Loss-of-function variants in RFXANK are known to be pathogenic (PMID: 10803838, 16166641, 21908431).

Laboratorio de Genetica e Diagnostico Molecular, Hospital Israelita Albert Einstein
Classification: Likely pathogenic for MHC class II deficiency 1. Last evaluated: 2021-07-29. Review status: criteria provided, single submitter. Criteria: ACMG Guidelines, 2015. Collection method: clinical testing. Allele origin: germline. Affected: yes.
Comment: ACMG classification criteria: PVS1 very strong, PM2 moderate

Literature cited by the submitters: PubMed 10803838 (cited by Labcorp Genetics (formerly Invitae), Labcorp); PubMed 16166641 (cited by Labcorp Genetics (formerly Invitae), Labcorp); PubMed 21908431 (cited by Labcorp Genetics (formerly Invitae), Labcorp).